The following is an entry in ClinVar:

NM_004655.4(AXIN2):c.2092G>C (p.Glu698Gln)

Gene: AXIN2 (axin 2; minus strand). Cytogenetic location: 17q24.1.
Variant type: single nucleotide variant.
Coding change: c.2092G>C on transcript NM_004655.4 (MANE Select); coding-DNA position 2092, G replaced by C.
Protein change: p.Glu698Gln; replaces glutamic acid 698 with glutamine.
Molecular consequence: missense variant.
Genome position (GRCh38, 1-based): chr17:65,536,369, C>G on the plus strand (G>C on the coding strand, the complement: AXIN2 is on the minus strand). VCF-style: chr17-65536369-C-G. GRCh37 (hg19) VCF-style: chr17-63532487-C-G.
Other names: c.1897G>C, p.Glu633Gln (NM_001363813.1); short protein forms E698Q, E633Q.
Identifiers: ClinVar variation 3690197 (VCV003690197.3).
Genomic context (GRCh38, chr17:65,536,369, plus strand): 5'-CTTCCACTCACCGCTGCTTTGGGGGCTTCGACACCTCAGCTAGCCTGCGACAGGCCTCCT[C>G]CAGCTGAGCCAGCGTGTTGGGTGGGGTCAGGGGAGGCATCGCAGGGTCCTGGGTGAACAG-3'
Protein context (NP_004646.3, residues 688-708): LTPPNTLAQL[Glu698Gln]EACRRLAEVS

ClinVar aggregate classification (germline): Uncertain significance. Review status: criteria provided, multiple submitters, no conflicts (2 of 4 stars). 2 submissions from 2 submitters: Uncertain significance (2). Last evaluated 2026-08-30.

Conditions:
Oligodontia-cancer predisposition syndrome. Also called: TOOTH AGENESIS-COLORECTAL CANCER SYNDROME. Identifiers: Orphanet 300576, MedGen C1837750, MONDO:0012075, OMIM 608615. Disease mechanism: loss of function.
Hereditary cancer-predisposing syndrome. Also called: Tumor predisposition; Hereditary neoplastic syndrome; Hereditary Cancer Syndrome; Neoplastic Syndromes, Hereditary. Identifiers: Orphanet 140162, MedGen C0027672, MeSH D009386, MONDO:0015356.

gnomAD v4.1: 1 of 1,613,628 alleles (0.000062%); highest among the groups gnomAD compares: East Asian, 0.0022%; no homozygotes.

Submissions (2):

Ambry Genetics
Classification: Uncertain significance for Hereditary cancer-predisposing syndrome. Last evaluated: 2026-08-30. Review status: criteria provided, single submitter. Criteria: Ambry Variant Classification Scheme 2023. Collection method: clinical testing. Allele origin: germline.
Comment: The p.E698Q variant (also known as c.2092G>C), located in coding exon 7 of the AXIN2 gene, results from a G to C substitution at nucleotide position 2092. The glutamic acid at codon 698 is replaced by glutamine, an amino acid with highly similar properties. This amino acid position is conserved. In addition, the in silico prediction for this alteration is inconclusive. Based on the available evidence, the clinical significance of this variant remains unclear.

Labcorp Genetics (formerly Invitae), Labcorp
Classification: Uncertain significance for Oligodontia-cancer predisposition syndrome. Last evaluated: 2025-02-05. Review status: criteria provided, single submitter. Criteria: Invitae Variant Classification Sherloc (09022015). Collection method: clinical testing. Allele origin: germline.
Comment: This sequence change replaces glutamic acid, which is acidic and polar, with glutamine, which is neutral and polar, at codon 698 of the AXIN2 protein (p.Glu698Gln). This variant is not present in population databases (gnomAD no frequency). This variant has not been reported in the literature in individuals affected with AXIN2-related conditions. Invitae Evidence Modeling of protein sequence and biophysical properties (such as structural, functional, and spatial information, amino acid conservation, physicochemical variation, residue mobility, and thermodynamic stability) indicates that this missense variant is expected to disrupt AXIN2 protein function with a positive predictive value of 80%. In summary, the available evidence is currently insufficient to determine the role of this variant in disease. Therefore, it has been classified as a Variant of Uncertain Significance.